The following is an entry in ClinVar:

ClinVar aggregate classification (germline): Benign (1 of 4 stars; one submission).

Allele frequency attached by ClinVar (database versions not stated): TOPMed 0.26612; gnomAD 0.27287; gnomAD exomes 0.28133; 1000 Genomes Project 30x 0.34088; 1000 Genomes Project 0.34864.
gnomAD v4.1: 280,700 of 1,001,568 alleles (28%); highest among the groups gnomAD compares: East Asian, 61%; 43,948 homozygotes.

Submission:

Unidad de Genómica Garrahan, Hospital de Pediatría Garrahan
Classification: Benign. Last evaluated: 2024-07-15. Review status: criteria provided, single submitter. Criteria: ACMG Guidelines, 2015. Collection method: clinical testing. Allele origin: germline. Affected: no. Observed: 32 variant alleles.
Comment: This variant is classified as Benign based on local population frequency. This variant was detected in 34% of patients studied in a panel designed for Epileptic and Developmental Encephalopathy and Progressive Myoclonus Epilepsy. Number of patients: 32. Only high quality variants are reported.

NM_001099403.2(PRDM8):c.451+131G>A

Genes: PRDM8 (PR/SET domain 8; plus strand), LOC126807094 (CDK7 strongly-dependent group 2 enhancer GRCh37_chr4:81121978-81123177; plus strand). Cytogenetic location: 4q21.21.
Variant type: single nucleotide variant.
Coding change: c.451+131G>A on transcript NM_001099403.2 (MANE Select); 131 bases into the intron after coding-DNA position 451, G replaced by A.
Molecular consequence: intron variant.
Genome position (GRCh38, 1-based): chr4:80,201,652, G>A. VCF-style: chr4-80201652-G-A. GRCh37 (hg19) VCF-style: chr4-81122806-G-A.
Other names: c.451+131G>A (NM_020226.4).
Identifiers: ClinVar variation 3255288 (VCV003255288.2), dbSNP rs3733333.